The following is an entry in ClinVar:

NM_020745.4(AARS2):c.1570G>A (p.Gly524Arg)

Gene: AARS2 (alanyl-tRNA synthetase 2, mitochondrial; minus strand). Cytogenetic location: 6p21.1.
Variant type: single nucleotide variant.
Coding change: c.1570G>A on transcript NM_020745.4 (MANE Select); coding-DNA position 1570, G replaced by A.
Protein change: p.Gly524Arg; replaces glycine 524 with arginine.
Molecular consequence: missense variant.
Genome position (GRCh38, 1-based): chr6:44,305,063, C>T on the plus strand (G>A on the coding strand, the complement: AARS2 is on the minus strand). VCF-style: chr6-44305063-C-T. GRCh37 (hg19) VCF-style: chr6-44272800-C-T.
Other names: short protein forms G524R.
Identifiers: ClinVar variation 1707244 (VCV001707244.2), dbSNP rs772600706, ClinGen allele CA3834298.
Genomic context (GRCh38, chr6:44,305,063, plus strand): 5'-TAGTCATGGTCAGGCAAGCTTGTGGCGGCAGGCCTTGGTCCAGGCTCTCACCATAACTTC[C>T]GCTGGGTCGCAGGGAGTAGTTGTACTTGGGGCTGTCGTCAGTTGGGGGCACTCCTTGGCG-3'
Protein context (NP_065796.2, residues 514-534): PKYNYSLRPS[Gly524Arg]SYEFGTCEAQ

ClinVar aggregate classification (germline): Uncertain significance (1 of 4 stars; one submission).

Allele frequency attached by ClinVar (database versions not stated): TOPMed 0.00001; gnomAD 0.00002; gnomAD exomes 0.00005; ExAC 0.00012.

Submission:

GeneDx
Classification: Uncertain significance. Last evaluated: 2022-03-23. Review status: criteria provided, single submitter. Criteria: GeneDx Variant Classification Process June 2021. Collection method: clinical testing. Allele origin: germline. Affected: yes.
Comment: In silico analysis supports that this missense variant has a deleterious effect on protein structure/function; Has not been previously published as pathogenic or benign to our knowledge